The following is an entry in ClinVar:

NM_006019.4(TCIRG1):c.2118+10G>A

Gene: TCIRG1 (T cell immune regulator 1, ATPase H+ transporting V0 subunit a3; plus strand). Cytogenetic location: 11q13.2.
Variant type: single nucleotide variant.
Coding change: c.2118+10G>A on transcript NM_006019.4 (MANE Select); 10 bases into the intron after coding-DNA position 2118, G replaced by A.
Molecular consequence: intron variant.
Genome position (GRCh38, 1-based): chr11:68,050,076, G>A. VCF-style: chr11-68050076-G-A. GRCh37 (hg19) VCF-style: chr11-67817543-G-A.
Other names: c.1224+10G>A (NM_001351059.2); c.1470+10G>A (NM_006053.4).
Identifiers: ClinVar variation 751958 (VCV000751958.11), dbSNP rs775491643, ClinGen allele CA6147388.

ClinVar aggregate classification (germline): Likely benign. Review status: criteria provided, single submitter (1 of 4 stars). 3 submissions from 3 submitters: Likely benign (1). 2 of the submissions do not count toward it. Last evaluated 2024-02-03.

Conditions:
TCIRG1-related disorder. Also called: TCIRG1-related condition.
Autosomal recessive osteopetrosis 1. Also called: ALBERS-SCHONBERG DISEASE, AUTOSOMAL RECESSIVE; TCIRG1-Related Osteopetrosis; TCIRG1-Related Autosomal Recessive Osteopetrosis. Identifiers: Orphanet 667, MedGen C1850127, MONDO:0009815, OMIM 259700.

Allele frequency attached by ClinVar (database versions not stated): gnomAD exomes 0.00001 and 0.00003; ExAC 0.00002.

Submissions (3):

Labcorp Genetics (formerly Invitae), Labcorp
Classification: Likely benign. Last evaluated: 2024-02-03. Review status: criteria provided, single submitter. Criteria: Invitae Variant Classification Sherloc (09022015). Collection method: clinical testing. Allele origin: germline.

PreventionGenetics, part of Exact Sciences
Classification: Likely benign for TCIRG1-related condition. Last evaluated: 2020-10-30. Review status: no assertion criteria provided. Collection method: clinical testing. Allele origin: germline. Not counted in ClinVar's aggregate classification.
Comment: This variant is classified as likely benign based on ACMG/AMP sequence variant interpretation guidelines (Richards et al. 2015 PMID: 25741868, with internal and published modifications).

Natera, Inc.
Classification: Likely benign for Infantile malignant osteopetrosis. Last evaluated: 2020-09-26. Review status: no assertion criteria provided. Collection method: clinical testing. Allele origin: germline. Not counted in ClinVar's aggregate classification.